The following is an entry in ClinVar:

ClinVar aggregate classification (germline): Likely pathogenic (1 of 4 stars; one submission).

Conditions:
Spermatogenic failure 84 (SPGF84). Identifiers: MedGen C5830562, MONDO:0957301, OMIM 620409.

Submission:

First Genomix Gene Laboratory, Genetic Diagnostics Department
Classification: Likely pathogenic for Spermatogenic failure 84. Last evaluated: 2025-08-21. Review status: criteria provided, single submitter. Criteria: ACMG Guidelines, 2015. Collection method: clinical testing. Allele origin: germline. Inheritance: Autosomal recessive inheritance. Affected: no. Observed: 1 variant allele.

NM_015585.4(CFAP61):c.3125-1G>C

Gene: CFAP61 (cilia and flagella associated protein 61; plus strand). Cytogenetic location: 20p11.23.
Variant type: single nucleotide variant.
Coding change: c.3125-1G>C on transcript NM_015585.4 (MANE Select); the canonical splice acceptor site of the intron before coding-DNA position 3125, G replaced by C.
Molecular consequence: splice acceptor variant.
Genome position (GRCh38, 1-based): chr20:20,290,299, G>C. VCF-style: chr20-20290299-G-C. GRCh37 (hg19) VCF-style: chr20-20270943-G-C.
Identifiers: ClinVar variation 4850446 (VCV004850446.1).